The following is an entry in ClinVar:

ClinVar aggregate classification (germline): Uncertain significance (1 of 4 stars; one submission).

Submission:

Geisinger Autism and Developmental Medicine Institute, Geisinger Health System
Classification: Uncertain significance. Last evaluated: 2017-04-03. Review status: criteria provided, single submitter. Criteria: ACMG Guidelines, 2015. Collection method: provider interpretation, clinical testing. Allele origin: unknown. Observed: 1 variant allele.
Comment: More evidence is needed to explore the link between variants in the CACNA1B gene and human disease. While the function of CACNA1B has not been completely defined, mice lacking CACNA1B function had altered memory, learning, sleep-wake cycles, and pain responses as well as aggressive behavior (Kim et al., 2001; Ino et al., 2001). Parental samples are unavailable for this patient, so inheritance is unknown. The variant is not present in population databases. Computational models predict the variant to be probably damaging.

Literature cited by the submitters: PubMed 25296916; PubMed 26157024.

NM_000718.4(CACNA1B):c.175T>C (p.Tyr59His)

Genes: CACNA1B (calcium voltage-gated channel subunit alpha1 B; plus strand), CACNA1B-AS2 (CACNA1B antisense RNA 2; minus strand). Cytogenetic location: 9q34.3.
Variant type: single nucleotide variant.
Coding change: c.175T>C on transcript NM_000718.4 (MANE Select); coding-DNA position 175, T replaced by C.
Protein change: p.Tyr59His; replaces tyrosine 59 with histidine.
Molecular consequence: missense variant.
Genome position (GRCh38, 1-based): chr9:137,878,108, T>C. VCF-style: chr9-137878108-T-C. GRCh37 (hg19) VCF-style: chr9-140772560-T-C.
Other names: c.175T>C, p.Tyr59His (NM_001243812.2); short protein forms Y59H.
Identifiers: ClinVar variation 560280 (VCV000560280.3), dbSNP rs1564867162, ClinGen allele CA375795717.
Genomic context (GRCh38, chr9:137,878,108, plus strand): 5'-CCCGGCCAGCGGGTCCTCTACAAGCAATCGATCGCGCAGCGCGCGCGGACCATGGCGCTG[T>C]ACAACCCCATCCCGGTCAAGCAGAACTGCTTCACCGTCAACCGCTCGCTCTTCGTCTTCA-3'
Protein context (NP_000709.1, residues 49-69): IAQRARTMAL[Tyr59His]NPIPVKQNCF